The following is an entry in ClinVar:

ClinVar aggregate classification (germline): Uncertain significance. Review status: criteria provided, multiple submitters, no conflicts (2 of 4 stars). 2 submissions from 2 submitters: Uncertain significance (2). Last evaluated 2025-10-29.

Conditions:
Inborn genetic diseases. Identifiers: MedGen C0950123, MeSH D030342.
Compton-North congenital myopathy (CMYO12). Identifiers: Orphanet 210163, MedGen C2675527, MONDO:0012929, OMIM 612540.

Allele frequency attached by ClinVar (database versions not stated): TOPMed below 0.00001; gnomAD 0.00001; ExAC 0.00002; gnomAD exomes 0.00003; 1000 Genomes Project 0.00040; 1000 Genomes Project 30x 0.00062.
gnomAD v4.1: 7 of 1,613,638 alleles (0.00043%); highest among the groups gnomAD compares: East Asian, 0.016%; no homozygotes.

Submissions (2):

Ambry Genetics
Classification: Uncertain significance for Inborn genetic diseases. Last evaluated: 2025-10-29. Review status: criteria provided, single submitter. Criteria: Ambry Variant Classification Scheme 2023. Collection method: clinical testing. Allele origin: germline.

Labcorp Genetics (formerly Invitae), Labcorp
Classification: Uncertain significance for Compton-North congenital myopathy. Last evaluated: 2019-03-12. Review status: criteria provided, single submitter. Criteria: Invitae Variant Classification Sherloc (09022015). Collection method: clinical testing. Allele origin: germline.
Comment: This variant is present in population databases (rs549628424, ExAC 0.03%). In summary, the available evidence is currently insufficient to determine the role of this variant in disease. Therefore, it has been classified as a Variant of Uncertain Significance. Algorithms developed to predict the effect of missense changes on protein structure and function (SIFT, PolyPhen-2, Align-GVGD) all suggest that this variant is likely to be tolerated, but these predictions have not been confirmed by published functional studies and their clinical significance is uncertain. This variant has not been reported in the literature in individuals with CNTN1-related disease. This sequence change replaces alanine with threonine at codon 668 of the CNTN1 protein (p.Ala668Thr). The alanine residue is highly conserved and there is a small physicochemical difference between alanine and threonine.

NM_001843.4(CNTN1):c.2002G>A (p.Ala668Thr)

Gene: CNTN1 (contactin 1; plus strand). Cytogenetic location: 12q12.
Variant type: single nucleotide variant.
Coding change: c.2002G>A on transcript NM_001843.4 (MANE Select); coding-DNA position 2002, G replaced by A.
Protein change: p.Ala668Thr; replaces alanine 668 with threonine.
Molecular consequence: missense variant.
Genome position (GRCh38, 1-based): chr12:40,993,158, G>A. VCF-style: chr12-40993158-G-A. GRCh37 (hg19) VCF-style: chr12-41386960-G-A.
Other names: c.1969G>A, p.Ala657Thr (NM_175038.2); c.2002G>A (NM_001843.2); short protein forms A668T, A657T.
Identifiers: ClinVar variation 537193 (VCV000537193.12), dbSNP rs549628424, ClinGen allele CA6517028.